The following is an entry in ClinVar:

ClinVar aggregate classification (germline): Uncertain significance (1 of 4 stars; one submission).

Allele frequency attached by ClinVar (database versions not stated): gnomAD 0.00001 and 0.00004; TOPMed 0.00001; ExAC 0.00013; gnomAD exomes 0.00013; 1000 Genomes Project 30x 0.00016; 1000 Genomes Project 0.00020.
gnomAD v4.1: 76 of 1,613,840 alleles (0.0047%); highest among the groups gnomAD compares: South Asian, 0.081%; 1 homozygote.

Submission:

Labcorp Genetics (formerly Invitae), Labcorp
Classification: Uncertain significance. Last evaluated: 2021-09-29. Review status: criteria provided, single submitter. Criteria: Invitae Variant Classification Sherloc (09022015). Collection method: clinical testing. Allele origin: germline.
Comment: In summary, the available evidence is currently insufficient to determine the role of this variant in disease. Therefore, it has been classified as a Variant of Uncertain Significance. Algorithms developed to predict the effect of missense changes on protein structure and function output the following: SIFT: "Tolerated"; PolyPhen-2: "Benign"; Align-GVGD: "Class C0". The valine amino acid residue is found in multiple mammalian species, which suggests that this missense change does not adversely affect protein function. This variant has not been reported in the literature in individuals affected with SBF1-related conditions. This variant is present in population databases (rs551440125, ExAC 0.09%). This sequence change replaces isoleucine with valine at codon 1152 of the SBF1 protein (p.Ile1152Val). The isoleucine residue is highly conserved and there is a small physicochemical difference between isoleucine and valine.

NM_002972.4(SBF1):c.3454A>G (p.Ile1152Val)

Gene: SBF1 (SET binding factor 1; minus strand). Cytogenetic location: 22q13.33.
Variant type: single nucleotide variant.
Coding change: c.3454A>G on transcript NM_002972.4 (MANE Select); coding-DNA position 3454, A replaced by G.
Protein change: p.Ile1152Val; replaces isoleucine 1152 with valine.
Molecular consequence: missense variant.
Genome position (GRCh38, 1-based): chr22:50,459,989, T>C on the plus strand (A>G on the coding strand, the complement: SBF1 is on the minus strand). VCF-style: chr22-50459989-T-C. GRCh37 (hg19) VCF-style: chr22-50898418-T-C.
Other names: c.3457A>G, p.Ile1153Val (NM_001365819.1); short protein forms I1153V, I1152V.
Identifiers: ClinVar variation 1482851 (VCV001482851.6), dbSNP rs551440125, ClinGen allele CA10316715.
Genomic context (GRCh38, chr22:50,459,989, plus strand): 5'-GGCCAGCCCTGGCCGGCCCTCACCTGCGGCAGATGGCATACATGCGGTTGACCGGAGAAA[T>C]GCGGAAGGGCTCAGACTTGGCCCGGCTCAGGCTGCTGCTCAGGGTGCCCAGACCGAGGCG-3'
Protein context (NP_002963.2, residues 1142-1162): LSRAKSEPFR[Ile1152Val]SPVNRMYAIC